The following is an entry in ClinVar:

NM_033087.4(ALG2):c.28G>A (p.Asp10Asn)

Gene: ALG2 (ALG2 alpha-1,3/1,6-mannosyltransferase; minus strand). Cytogenetic location: 9q22.33.
Variant type: single nucleotide variant.
Coding change: c.28G>A on transcript NM_033087.4 (MANE Select); coding-DNA position 28, G replaced by A.
Protein change: p.Asp10Asn; replaces aspartic acid 10 with asparagine.
Molecular consequence: missense variant. On other transcripts: non-coding transcript variant (1).
Genome position (GRCh38, 1-based): chr9:99,221,867, C>T on the plus strand (G>A on the coding strand, the complement: ALG2 is on the minus strand). VCF-style: chr9-99221867-C-T. GRCh37 (hg19) VCF-style: chr9-101984149-C-T.
Other names: short protein forms D10N.
Identifiers: ClinVar variation 1443804 (VCV001443804.4), dbSNP rs769169852, ClinGen allele CA5156511.

ClinVar aggregate classification (germline): Uncertain significance (1 of 4 stars; one submission).

Conditions:
Congenital disorder of glycosylation, type Ii. Also called: ALG2-CDG; CDG Ii; ALG2-congenital disorder of glycosylation. Identifiers: Orphanet 79326, MedGen C1842836, MONDO:0011933, OMIM 607906.
Congenital myasthenic syndrome 14. Also called: Myasthenic syndrome, congenital, 14, with tubular aggregates. Identifiers: Orphanet 353327, Orphanet 590, MedGen C4015597, MONDO:0014543, OMIM 616228.

Allele frequency attached by ClinVar (database versions not stated): ExAC 0.00001.
gnomAD v4.1: 43 of 1,591,162 alleles (0.0027%); highest among the groups gnomAD compares: Non-Finnish European, 0.0035%; no homozygotes.

Submission:

Labcorp Genetics (formerly Invitae), Labcorp
Classification: Uncertain significance for Congenital disorder of glycosylation, type Ii; Congenital myasthenic syndrome 14. Last evaluated: 2023-08-04. Review status: criteria provided, single submitter. Criteria: Invitae Variant Classification Sherloc (09022015). Collection method: clinical testing. Allele origin: germline.
Comment: Algorithms developed to predict the effect of missense changes on protein structure and function output the following: SIFT: "Not Available"; PolyPhen-2: "Benign"; Align-GVGD: "Not Available". The asparagine amino acid residue is found in multiple mammalian species, which suggests that this missense change does not adversely affect protein function. In summary, the available evidence is currently insufficient to determine the role of this variant in disease. Therefore, it has been classified as a Variant of Uncertain Significance. ClinVar contains an entry for this variant (Variation ID: 1443804). This variant has not been reported in the literature in individuals affected with ALG2-related conditions. This variant is present in population databases (rs769169852, gnomAD 0.004%). This sequence change replaces aspartic acid, which is acidic and polar, with asparagine, which is neutral and polar, at codon 10 of the ALG2 protein (p.Asp10Asn).